The following is an entry in ClinVar:

NM_006614.4(CHL1):c.704C>T (p.Ser235Leu)

Gene: CHL1 (cell adhesion molecule L1 like; plus strand). Cytogenetic location: 3p26.3.
Variant type: single nucleotide variant.
Coding change: c.704C>T on transcript NM_006614.4 (MANE Select); coding-DNA position 704, C replaced by T.
Protein change: p.Ser235Leu; replaces serine 235 with leucine.
Molecular consequence: missense variant. On other transcripts: intron variant (1).
Genome position (GRCh38, 1-based): chr3:343,008, C>T. VCF-style: chr3-343008-C-T. GRCh37 (hg19) VCF-style: chr3-384691-C-T.
Other names: c.704C>T, p.Ser235Leu (NM_001253388.1); c.679+926C>T (NM_001253387.2); short protein forms S235L.
Identifiers: ClinVar variation 787251 (VCV000787251.6), dbSNP rs73817633, ClinGen allele CA2224432.

ClinVar aggregate classification (germline): Benign. Review status: criteria provided, single submitter (1 of 4 stars). 2 submissions from 2 submitters: Benign (1). 1 of the submissions does not count toward it. Last evaluated 2019-12-31.

Conditions:
CHL1-related disorder. Also called: CHL1-related condition.

Allele frequency attached by ClinVar (database versions not stated): gnomAD exomes 0.00029 and 0.00074; ExAC 0.00094; gnomAD 0.00298 and 0.00315; TOPMed 0.00318; ESP Exome Variant Server 0.00346; 1000 Genomes Project 0.00379; 1000 Genomes Project 30x 0.00422.
gnomAD v4.1: 897 of 1,608,886 alleles (0.056%); highest among the groups gnomAD compares: African/African-American, 1%; 3 homozygotes.

Submissions (2):

Labcorp Genetics (formerly Invitae), Labcorp
Classification: Benign. Last evaluated: 2019-12-31. Review status: criteria provided, single submitter. Criteria: Invitae Variant Classification Sherloc (09022015). Collection method: clinical testing. Allele origin: germline.

PreventionGenetics, part of Exact Sciences
Classification: Benign for CHL1-related condition. Last evaluated: 2019-07-10. Review status: no assertion criteria provided. Collection method: clinical testing. Allele origin: germline. Not counted in ClinVar's aggregate classification.
Comment: This variant is classified as benign based on ACMG/AMP sequence variant interpretation guidelines (Richards et al. 2015 PMID: 25741868, with internal and published modifications).